The following is an entry in ClinVar:

NM_004859.4(CLTC):c.3631T>C (p.Tyr1211His)

Gene: CLTC (clathrin heavy chain; plus strand). Cytogenetic location: 17q23.1.
Variant type: single nucleotide variant.
Coding change: c.3631T>C on transcript NM_004859.4 (MANE Select); coding-DNA position 3631, T replaced by C.
Protein change: p.Tyr1211His; replaces tyrosine 1211 with histidine.
Molecular consequence: missense variant.
Genome position (GRCh38, 1-based): chr17:59,682,659, T>C. VCF-style: chr17-59682659-T-C. GRCh37 (hg19) VCF-style: chr17-57760020-T-C.
Other names: c.3643T>C, p.Tyr1215His (NM_001288653.2); short protein forms Y1215H, Y1211H.
Identifiers: ClinVar variation 1386198 (VCV001386198.8), dbSNP rs763150110, ClinGen allele CA8681638.

ClinVar aggregate classification (germline): Uncertain significance (1 of 4 stars; one submission).

Allele frequency attached by ClinVar (database versions not stated): ExAC 0.00001; gnomAD 0.00001; gnomAD exomes 0.00001.
gnomAD v4.1: 24 of 1,614,010 alleles (0.0015%); highest among the groups gnomAD compares: Non-Finnish European, 0.0019%; no homozygotes.

Submission:

Labcorp Genetics (formerly Invitae), Labcorp
Classification: Uncertain significance. Last evaluated: 2021-05-18. Review status: criteria provided, single submitter. Criteria: Invitae Variant Classification Sherloc (09022015). Collection method: clinical testing. Allele origin: germline.
Comment: In summary, the available evidence is currently insufficient to determine the role of this variant in disease. Therefore, it has been classified as a Variant of Uncertain Significance. Algorithms developed to predict the effect of missense changes on protein structure and function are either unavailable or do not agree on the potential impact of this missense change (SIFT: "Deleterious"; PolyPhen-2: "Not Available"; Align-GVGD: "Class C0"). This variant has not been reported in the literature in individuals with CLTC-related conditions. This variant is present in population databases (rs763150110, ExAC 0.001%). This sequence change replaces tyrosine with histidine at codon 1215 of the CLTC protein (p.Tyr1215His). The tyrosine residue is highly conserved and there is a moderate physicochemical difference between tyrosine and histidine.